The following is an entry in ClinVar:

ClinVar aggregate classification (germline): Pathogenic/Likely pathogenic. Review status: criteria provided, multiple submitters, no conflicts (2 of 4 stars). 3 submissions from 3 submitters: Pathogenic (1); Likely pathogenic (2). Last evaluated 2025-12-26.

Conditions:
CFTR-related disorder (CFTR-RD). Also called: CFTR-related disorders; CFTR-related condition. Identifiers: MedGen C5924204, MONDO:7770004.
Cystic fibrosis (CF). Also called: MUCOVISCIDOSIS. Identifiers: Orphanet 586, MedGen C0010674, MONDO:0009061, OMIM 219700. Disease mechanism: loss of function.

Allele frequency attached by ClinVar (database versions not stated): gnomAD exomes 0.00001 and below 0.00001; TOPMed below 0.00001.

Submissions (3):

Women's Health and Genetics/Laboratory Corporation of America, LabCorp
Classification: Pathogenic for Cystic fibrosis. Last evaluated: 2025-12-26. Review status: criteria provided, single submitter. Criteria: LabCorp Variant Classification Summary - May 2015. Collection method: clinical testing. Allele origin: germline.
Comment: Variant summary: CFTR c.3220T>C (p.Phe1074Leu) results in a non-conservative amino acid change located in the ABC transporter type 1, transmembrane domain (IPR011527) of the encoded protein sequence. Algorithms developed to predict the effect of missense changes on protein structure and function all suggest that this variant is likely to be disruptive. At-least one additional variant resulting in the same amino acid effect, c.3222T>A (p.Phe1074Leu) has been classified as Likely Pathogenic at our laboratory, supporting the critical relevance of this codon to CFTR protein function. The variant allele was found at a frequency of 4e-06 in 251044 control chromosomes. c.3220T>C has been reported in the literature in the compound heterozygous state in cis with the 5T allele in individuals affected with CBAVD and Cystic Fibrosis (e.g. Casals_2000, Alonso_2007), but has also been reported together with F508del in individuals with CF and Non-Classic Cystic Fibrosis (e.g. Padoan_2006, McCague_2019) and reported in individuals with other CFTR-related disorders (e.g. Keiles_2006, Coste_2004). These data indicate that the variant may be associated with disease. It has been described as having varying clinical consequences (CFTR2 database). At least one publication reports that this variant leads to impaired chloride transport and processing (e.g. Van Goor_2013, Prins_2020), consistent with the mild CF disease associated with this variant. The following publications have been ascertained in the context of this evaluation (PMID: 10875853, 15126740, 17003641, 16801189, 17331079, 23891399, 32934006, 30888834). ClinVar contains an entry for this variant (Variation ID: 993219). Based on the evidence outlined above, the variant was classified as pathogenic.

Natera, Inc.
Classification: Likely pathogenic for CFTR-related disorders. Last evaluated: 2025-11-03. Review status: criteria provided, single submitter. Criteria: Natera Variant Classification Schema (03/2026). Collection method: clinical testing. Allele origin: germline.
Comment: The c.3220T>C variant in CFTR is a missense variant predicted to cause substitution of phenylalanine to leucine at amino acid 1074. This variant is rare in the general population with a frequency below the threshold expected for the associated phenotype(s). This variant has been observed in one or more individuals affected with the associated recessive disease, as either homozygous or compound heterozygous with a second variant (PMID: 30888834). Functional studies show that this variant may disrupt protein function (PMID: 23891399). Another variant at this same site results in an alteration predicted to cause a similar molecular effect has been observed in individual(s) with the associated phenotype. Computational prediction algorithms indicate this variant is likely to affect gene or protein function. Given the available evidence, this variant is classified as Likely Pathogenic.

Quest Diagnostics Nichols Institute San Juan Capistrano
Classification: Likely pathogenic. Last evaluated: 2020-04-10. Review status: criteria provided, single submitter. Criteria: Quest Diagnostics criteria. Collection method: clinical testing. Allele origin: unknown.
Comment: The best available variant frequency is uninformative because there are too few occurrences in population data. Found in at least one patient with expected phenotype for this gene. Predicted to have a damaging effect on the protein. Assessment of experimental evidence suggests this variant results in abnormal protein function.

Literature cited by the submitters: PubMed 10875853 (cited by Women's Health and Genetics/Laboratory Corporation of America, LabCorp and Quest Diagnostics Nichols Institute San Juan Capistrano); PubMed 17331079 (cited by Women's Health and Genetics/Laboratory Corporation of America, LabCorp and Quest Diagnostics Nichols Institute San Juan Capistrano); PubMed 17003641 (cited by Women's Health and Genetics/Laboratory Corporation of America, LabCorp); PubMed 16801189 (cited by Women's Health and Genetics/Laboratory Corporation of America, LabCorp); PubMed 23891399 (cited by 3 submitters); PubMed 15126740 (cited by Women's Health and Genetics/Laboratory Corporation of America, LabCorp); PubMed 30888834 (cited by Women's Health and Genetics/Laboratory Corporation of America, LabCorp and Natera, Inc.); PubMed 32934006 (cited by Women's Health and Genetics/Laboratory Corporation of America, LabCorp); PubMed 9439669 (cited by Quest Diagnostics Nichols Institute San Juan Capistrano).

NM_000492.4(CFTR):c.3220T>C (p.Phe1074Leu)

Genes: CFTR-AS2 (CFTR antisense RNA 2; minus strand), CFTR (CF transmembrane conductance regulator; plus strand), LOC111674472 (DNase I hypersensitive sites in introns 16 and 17a of CFTR; plus strand). Cytogenetic location: 7q31.2.
Variant type: single nucleotide variant.
Coding change: c.3220T>C on transcript NM_000492.4 (MANE Select); coding-DNA position 3220, T replaced by C.
Protein change: p.Phe1074Leu; replaces phenylalanine 1074 with leucine.
Molecular consequence: missense variant.
Genome position (GRCh38, 1-based): chr7:117,611,661, T>C. VCF-style: chr7-117611661-T-C. GRCh37 (hg19) VCF-style: chr7-117251715-T-C.
Other names: short protein forms F1074L.
Identifiers: ClinVar variation 993219 (VCV000993219.5), dbSNP rs1258481099, ClinGen allele CA368992136.